The following is an entry in ClinVar:

ClinVar aggregate classification (germline): Uncertain significance (1 of 4 stars; one submission).

Conditions:
Hereditary cancer-predisposing syndrome. Also called: Hereditary Cancer Syndrome; Hereditary neoplastic syndrome; Neoplastic Syndromes, Hereditary; Tumor predisposition. Identifiers: Orphanet 140162, MedGen C0027672, MeSH D009386, MONDO:0015356.

Allele frequency attached by ClinVar (database versions not stated): gnomAD exomes below 0.00001.

Submission:

Ambry Genetics
Classification: Uncertain significance for Hereditary cancer-predisposing syndrome. Last evaluated: 2021-02-22. Review status: criteria provided, single submitter. Criteria: Ambry Variant Classification Scheme 2023. Collection method: clinical testing. Allele origin: germline.
Comment: The p.A144T variant (also known as c.430G>A), located in coding exon 4 of the SMARCB1 gene, results from a G to A substitution at nucleotide position 430. The alanine at codon 144 is replaced by threonine, an amino acid with similar properties. This amino acid position is highly conserved in available vertebrate species. In addition, this alteration is predicted to be deleterious by in silico analysis. Missense and in-frame variants in SMARCB1 are known to cause neurodevelopmental disorders; however, such associations with rhabdoid tumor predisposition syndrome are exceedingly rare (Kosho T et al. Am J Med Genet C Semin Med Genet. 2014 Sep;166C(3):262-75; Eaton KW et al. Pediatr Blood Cancer. 2011 Jan;56(1):7-15). Since supporting evidence is limited at this time, the clinical significance of this alteration remains unclear.

NM_003073.5(SMARCB1):c.430G>A (p.Ala144Thr)

Gene: SMARCB1 (SWI/SNF related BAF chromatin remodeling complex subunit B1; plus strand). Cytogenetic location: 22q11.23.
Variant type: single nucleotide variant.
Coding change: c.430G>A on transcript NM_003073.5 (MANE Select); coding-DNA position 430, G replaced by A.
Protein change: p.Ala144Thr; replaces alanine 144 with threonine.
Molecular consequence: missense variant.
Genome position (GRCh38, 1-based): chr22:23,801,011, G>A. VCF-style: chr22-23801011-G-A. GRCh37 (hg19) VCF-style: chr22-24143198-G-A.
Other names: c.403G>A, p.Ala135Thr (NM_001007468.3, NM_001317946.2); c.430G>A, p.Ala144Thr (NM_001362877.2); short protein forms A144T, A135T.
Identifiers: ClinVar variation 1739623 (VCV001739623.2), dbSNP rs2145978453, ClinGen allele CA410934438.